The following is an entry in ClinVar:

ClinVar aggregate classification (germline): Conflicting classifications of pathogenicity. Review status: criteria provided, conflicting classifications (1 of 4 stars). 5 submissions from 5 submitters: Uncertain significance (4); Likely benign (1). Last evaluated 2024-05-01.

Conditions:
Cardiovascular phenotype. Identifiers: MedGen CN230736.

Allele frequency attached by ClinVar (database versions not stated): gnomAD 0.00002 and 0.00003; gnomAD exomes 0.00003 and 0.00010; TOPMed 0.00005; ExAC 0.00009; 1000 Genomes Project 30x 0.00016; 1000 Genomes Project 0.00020.
gnomAD v4.1: 49 of 1,613,172 alleles (0.003%); highest among the groups gnomAD compares: Admixed American, 0.04%; no homozygotes.

Submissions (5):

CeGaT Center for Human Genetics Tuebingen
Classification: Uncertain significance. Last evaluated: 2024-05-01. Review status: criteria provided, single submitter. Criteria: CeGaT Center For Human Genetics Tuebingen Variant Classification Criteria Version 2. Collection method: clinical testing. Allele origin: germline. Affected: yes. Observed: 1 variant allele.

Revvity Omics, Revvity
Classification: Uncertain significance. Last evaluated: 2019-09-17. Review status: criteria provided, single submitter. Criteria: ACMG Guidelines, 2015. Collection method: clinical testing. Allele origin: germline.

GeneDx
Classification: Likely benign. Last evaluated: 2019-02-13. Review status: criteria provided, single submitter. Criteria: GeneDx Variant Classification Process June 2021. Collection method: clinical testing. Allele origin: germline. Affected: yes.

Athena Diagnostics
Classification: Uncertain significance. Last evaluated: 2019-02-04. Review status: criteria provided, single submitter. Criteria: Athena Diagnostics Criteria. Collection method: clinical testing. Allele origin: germline.

Ambry Genetics
Classification: Uncertain significance for Cardiovascular phenotype. Last evaluated: 2016-09-15. Review status: criteria provided, single submitter. Criteria: Ambry Variant Classification Scheme 2023. Collection method: clinical testing. Allele origin: germline.
Comment: The p.A12509T variant (also known as c.37525G>A), located in coding exon 137 of the TTN gene, results from a G to A substitution at nucleotide position 37525. The alanine at codon 12509 is replaced by threonine, an amino acid with similar properties, and is located in the A-band region of the N2-B isoform of the titin protein. This variant was previously reported in the SNPDatabase as rs578085621. Based on data from ExAC, the A allele has an overall frequency of approximately 0.011% (11/104538). This amino acid position is not well conserved in available vertebrate species. In addition, this alteration is predicted to be tolerated by in silico analysis. Since supporting evidence is limited at this time, the clinical significance of this alteration remains unclear.

NM_001267550.2(TTN):c.64720G>A (p.Ala21574Thr)

Genes: TTN (titin; minus strand), TTN-AS1 (TTN antisense RNA 1; plus strand). Cytogenetic location: 2q31.2.
Variant type: single nucleotide variant.
Coding change: c.64720G>A on transcript NM_001267550.2 (MANE Select); coding-DNA position 64720, G replaced by A.
Protein change: p.Ala21574Thr; replaces alanine 21574 with threonine.
Molecular consequence: missense variant. On other transcripts: non-coding transcript variant (1).
Genome position (GRCh38, 1-based): chr2:178,584,921, C>T on the plus strand (G>A on the coding strand, the complement: TTN is on the minus strand). VCF-style: chr2-178584921-C-T. GRCh37 (hg19) VCF-style: chr2-179449648-C-T.
Other names: c.59797G>A, p.Ala19933Thr (NM_001256850.1); c.37525G>A, p.Ala12509Thr (NM_003319.4); c.57016G>A, p.Ala19006Thr (NM_133378.4); c.37900G>A, p.Ala12634Thr (NM_133432.3); c.38101G>A, p.Ala12701Thr (NM_133437.4); short protein forms A19933T, A21574T, A12509T, A12701T, A12634T, A19006T.
Identifiers: ClinVar variation 506670 (VCV000506670.31), dbSNP rs578085621, ClinGen allele CA1991849.